The following is an entry in ClinVar:

NM_004656.4(BAP1):c.2102G>A (p.Arg701His)

Gene: BAP1 (BRCA1 associated deubiquitinase 1; minus strand). Cytogenetic location: 3p21.1.
Variant type: single nucleotide variant.
Coding change: c.2102G>A on transcript NM_004656.4 (MANE Select); coding-DNA position 2102, G replaced by A.
Protein change: p.Arg701His; replaces arginine 701 with histidine.
Molecular consequence: missense variant.
Genome position (GRCh38, 1-based): chr3:52,402,376, C>T on the plus strand (G>A on the coding strand, the complement: BAP1 is on the minus strand). VCF-style: chr3-52402376-C-T. GRCh37 (hg19) VCF-style: chr3-52436392-C-T.
Other names: c.2102G>A (NM_004656.2); short protein forms R701H.
Identifiers: ClinVar variation 1316381 (VCV001316381.8), dbSNP rs1704985467, ClinGen allele CA353094355.
Genomic context (GRCh38, chr3:52,402,376, plus strand): 5'-GAGCGTTTCCGCCGGTCAGGCTTCCGCTGCTTGTGGAGCCGGCCGATGCTGACCCCTTGG[C>T]GCCGCCGCACGGAGATGTTCTGCTCCACTAGGTTGGCCAGCATGCCTGCGAAGAGGTAGA-3'
Protein context (NP_004647.1, residues 691-711): LVEQNISVRR[Arg701His]QGVSIGRLHK

ClinVar aggregate classification (germline): Uncertain significance. Review status: criteria provided, multiple submitters, no conflicts (2 of 4 stars). 4 submissions from 4 submitters: Uncertain significance (4). Last evaluated 2024-09-26.

Conditions:
Hereditary cancer-predisposing syndrome. Also called: Hereditary neoplastic syndrome; Neoplastic Syndromes, Hereditary; Tumor predisposition; Hereditary Cancer Syndrome. Identifiers: Orphanet 140162, MedGen C0027672, MeSH D009386, MONDO:0015356.
BAP1-related tumor predisposition syndrome (TPDS1). Also called: COMMON Syndrome; Tumor susceptibility linked to germline BAP1 mutations; BAP1 tumor predisposition syndrome; TUMOR PREDISPOSITION SYNDROME 1. Identifiers: Orphanet 289539, MedGen C3280492, MONDO:0013692, OMIM 614327.

Allele frequency attached by ClinVar (database versions not stated): gnomAD exomes below 0.00001; TOPMed below 0.00001.

Submissions (4):

Labcorp Genetics (formerly Invitae), Labcorp
Classification: Uncertain significance for BAP1-related tumor predisposition syndrome. Last evaluated: 2024-09-26. Review status: criteria provided, single submitter. Criteria: Invitae Variant Classification Sherloc (09022015). Collection method: clinical testing. Allele origin: germline.
Comment: This sequence change replaces arginine, which is basic and polar, with histidine, which is basic and polar, at codon 701 of the BAP1 protein (p.Arg701His). This variant is not present in population databases (gnomAD no frequency). This variant has not been reported in the literature in individuals affected with BAP1-related conditions. ClinVar contains an entry for this variant (Variation ID: 1316381). Invitae Evidence Modeling of protein sequence and biophysical properties (such as structural, functional, and spatial information, amino acid conservation, physicochemical variation, residue mobility, and thermodynamic stability) indicates that this missense variant is not expected to disrupt BAP1 protein function with a negative predictive value of 80%. In summary, the available evidence is currently insufficient to determine the role of this variant in disease. Therefore, it has been classified as a Variant of Uncertain Significance.

GeneDx
Classification: Uncertain significance. Last evaluated: 2024-05-08. Review status: criteria provided, single submitter. Criteria: GeneDx Variant Classification Process June 2021. Collection method: clinical testing. Allele origin: germline. Affected: yes.
Comment: Not observed in large population cohorts (gnomAD); In silico analysis, which includes protein predictors and evolutionary conservation, supports a deleterious effect; Has not been previously published as pathogenic or benign to our knowledge

Baylor Genetics
Classification: Uncertain significance for BAP1-related tumor predisposition syndrome. Last evaluated: 2024-03-11. Review status: criteria provided, single submitter. Criteria: ACMG Guidelines, 2015. Collection method: clinical testing. Allele origin: unknown.

Ambry Genetics
Classification: Uncertain significance for Hereditary cancer-predisposing syndrome. Last evaluated: 2024-01-03. Review status: criteria provided, single submitter. Criteria: Ambry Variant Classification Scheme 2023. Collection method: clinical testing. Allele origin: germline.
Comment: The p.R701H variant (also known as c.2102G>A), located in coding exon 17 of the BAP1 gene, results from a G to A substitution at nucleotide position 2102. The arginine at codon 701 is replaced by histidine, an amino acid with highly similar properties. This amino acid position is highly conserved in available vertebrate species. In addition, this alteration is predicted to be tolerated by in silico analysis. Since supporting evidence is limited at this time, the clinical significance of this alteration remains unclear.